The following is an entry in ClinVar:

NM_001197104.2(KMT2A):c.6932C>T (p.Thr2311Ile)

Gene: KMT2A (lysine methyltransferase 2A; plus strand). Cytogenetic location: 11q23.3.
Variant type: single nucleotide variant.
Coding change: c.6932C>T on transcript NM_001197104.2 (MANE Select); coding-DNA position 6932, C replaced by T.
Protein change: p.Thr2311Ile; replaces threonine 2311 with isoleucine.
Molecular consequence: missense variant.
Genome position (GRCh38, 1-based): chr11:118,502,824, C>T. VCF-style: chr11-118502824-C-T. GRCh37 (hg19) VCF-style: chr11-118373539-C-T.
Other names: c.7022C>T, p.Thr2341Ile (NM_001412597.1); c.6923C>T, p.Thr2308Ile (NM_005933.4); short protein forms T2311I, T2341I, T2308I.
Identifiers: ClinVar variation 3695923 (VCV003695923.3).
Genomic context (GRCh38, chr11:118,502,824, plus strand): 5'-TGAAGCAGTCCAGTGCTTCAGACTTGGTGTCCAAGAGCTCCTCTTTAAAGGGAGAGAAGA[C>T]CAAAGTGCTGAGTTCCAAGAGCTCAGAGGGATCTGCACATAATGTGGCTTACCCTGGAAT-3'
Protein context (NP_001184033.1, residues 2301-2321): SKSSSLKGEK[Thr2311Ile]KVLSSKSSEG

ClinVar aggregate classification (germline): Conflicting classifications of pathogenicity. Review status: criteria provided, conflicting classifications (1 of 4 stars). 2 submissions from 2 submitters: Uncertain significance (1); Likely benign (1). Last evaluated 2026-04-07.

Conditions:
Wiedemann-Steiner syndrome (WDSTS). Also called: Growth deficiency and mental retardation with facial dysmorphism. Identifiers: Orphanet 319182, MedGen C1854630, MONDO:0011518, OMIM 605130.

gnomAD v4.1: 2 of 1,614,192 alleles (0.00012%); highest among the groups gnomAD compares: South Asian, 0.0022%; no homozygotes.

Submissions (2):

Centre for Medical Genetics,  Mumbai
Classification: Likely benign for Wiedemann-Steiner syndrome. Last evaluated: 2026-04-07. Review status: criteria provided, single submitter. Criteria: ACMG Guidelines, 2015. Collection method: provider interpretation. Allele origin: germline. Inheritance: Autosomal dominant inheritance. Affected: no. Observed: 1 variant allele, 1 heterozygote.
Comment: The variant satisfies PM2 criteria - extremely low frequency in gnomAD population databases. The variant satisfies PP2 criteria - missense variant in a gene with low rate of benign missense mutations and for which missense mutation is a common mechanism of a disease. However, the variant satisfies BS2 criteria - present in heterozygous state in an individual that clinically does not have Wiedemann-Steiner syndrome.

Labcorp Genetics (formerly Invitae), Labcorp
Classification: Uncertain significance. Last evaluated: 2025-11-13. Review status: criteria provided, single submitter. Criteria: Invitae Variant Classification Sherloc (09022015). Collection method: clinical testing. Allele origin: germline.
Comment: This sequence change replaces threonine, which is neutral and polar, with isoleucine, which is neutral and non-polar, at codon 2311 of the KMT2A protein (p.Thr2311Ile). This variant is not present in population databases (gnomAD no frequency). This variant has not been reported in the literature in individuals affected with KMT2A-related conditions. ClinVar contains an entry for this variant (Variation ID: 3695923). Invitae Evidence Modeling of protein sequence and biophysical properties (such as structural, functional, and spatial information, amino acid conservation, physicochemical variation, residue mobility, and thermodynamic stability) indicates that this missense variant is not expected to disrupt KMT2A protein function with a negative predictive value of 95%. In summary, the available evidence is currently insufficient to determine the role of this variant in disease. Therefore, it has been classified as a Variant of Uncertain Significance.

Literature cited by the submitters: PubMed 22795537 (cited by Centre for Medical Genetics,  Mumbai).